The following is an entry in ClinVar:

ClinVar aggregate classification (germline): Uncertain significance. Review status: criteria provided, multiple submitters, no conflicts (2 of 4 stars). 5 submissions from 5 submitters: Uncertain significance (5). Last evaluated 2025-03-28.

Conditions:
Cardiovascular phenotype. Identifiers: MedGen CN230736.
Cardiomyopathy (CMYO). Also called: Cardiomyopathies. Identifiers: Orphanet 167848, MedGen C0878544, MONDO:0004994, HP:0001638. Inheritance: Various modes of inheritance.
Catecholaminergic polymorphic ventricular tachycardia 1. Also called: RYR2-Related Catecholaminergic Polymorphic Ventricular Tachycardia; VENTRICULAR TACHYCARDIA, CATECHOLAMINERGIC POLYMORPHIC, 1, WITH OR WITHOUT ATRIAL DYSFUNCTION AND/OR DILATED CARDIOMYOPATHY; VENTRICULAR TACHYCARDIA, STRESS-INDUCED POLYMORPHIC 1. Identifiers: Orphanet 3286, MedGen C1631597, MONDO:0011484, OMIM 604772.
Arrhythmogenic right ventricular dysplasia 1. Identifiers: Orphanet 3403, MedGen C1862511, MONDO:0007152, OMIM 107970.

Allele frequency attached by ClinVar (database versions not stated): gnomAD exomes below 0.00001; TOPMed 0.00001.
gnomAD v4.1: 11 of 1,610,822 alleles (0.00068%); highest among the groups gnomAD compares: Non-Finnish European, 0.00085%; no homozygotes.

Submissions (5):

Ambry Genetics
Classification: Uncertain significance for Cardiovascular phenotype. Last evaluated: 2025-03-28. Review status: criteria provided, single submitter. Criteria: Ambry Variant Classification Scheme 2023. Collection method: clinical testing. Allele origin: germline.
Comment: The p.S1638T variant (also known as c.4912T>A), located in coding exon 37 of the RYR2 gene, results from a T to A substitution at nucleotide position 4912. The serine at codon 1638 is replaced by threonine, an amino acid with similar properties. This amino acid position is well conserved in available vertebrate species. In addition, the in silico prediction for this alteration is inconclusive. Since supporting evidence is limited at this time, the clinical significance of this alteration remains unclear.

GeneDx
Classification: Uncertain significance. Last evaluated: 2023-05-03. Review status: criteria provided, single submitter. Criteria: GeneDx Variant Classification Process June 2021. Collection method: clinical testing. Allele origin: germline. Affected: yes.
Comment: Not observed at significant frequency in large population cohorts (gnomAD); In silico analysis supports that this missense variant does not alter protein structure/function; Not located in one of the three hot-spot regions of the RYR2 gene, where the majority of pathogenic missense variants occur (Medeiros-Domingo et al., 2009); Has not been previously published as pathogenic or benign to our knowledge

Labcorp Genetics (formerly Invitae), Labcorp
Classification: Uncertain significance for Catecholaminergic polymorphic ventricular tachycardia 1. Last evaluated: 2020-10-14. Review status: criteria provided, single submitter. Criteria: Invitae Variant Classification Sherloc (09022015). Collection method: clinical testing. Allele origin: germline.
Comment: In summary, the available evidence is currently insufficient to determine the role of this variant in disease. Therefore, it has been classified as a Variant of Uncertain Significance. Algorithms developed to predict the effect of missense changes on protein structure and function (SIFT, PolyPhen-2, Align-GVGD) all suggest that this variant is likely to be tolerated, but these predictions have not been confirmed by published functional studies and their clinical significance is uncertain. This variant has not been reported in the literature in individuals with RYR2-related disease. ClinVar contains an entry for this variant (Variation ID: 201252). This variant is not present in population databases (ExAC no frequency). This sequence change replaces serine with threonine at codon 1638 of the RYR2 protein (p.Ser1638Thr). The serine residue is highly conserved and there is a small physicochemical difference between serine and threonine.

Molecular Diagnostic Laboratory for Inherited Cardiovascular Disease, Montreal Heart Institute
Classification: Uncertain significance for Arrhythmogenic right ventricular dysplasia 1. Last evaluated: 2020-02-18. Review status: criteria provided, single submitter. Criteria: ACMG Guidelines, 2015. Collection method: clinical testing. Allele origin: germline. Affected: yes.

CHEO Genetics Diagnostic Laboratory, Children's Hospital of Eastern Ontario
Classification: Uncertain significance for Cardiomyopathy. Last evaluated: 2016-11-16. Review status: criteria provided, single submitter. Criteria: ACMG Guidelines, 2015. Collection method: clinical testing. Allele origin: germline. Study: Canadian Open Genetics Repository.

NM_001035.3(RYR2):c.4912T>A (p.Ser1638Thr)

Gene: RYR2 (ryanodine receptor 2; plus strand). Cytogenetic location: 1q43.
Variant type: single nucleotide variant.
Coding change: c.4912T>A on transcript NM_001035.3 (MANE Select); coding-DNA position 4912, T replaced by A.
Protein change: p.Ser1638Thr; replaces serine 1638 with threonine.
Molecular consequence: missense variant.
Genome position (GRCh38, 1-based): chr1:237,614,040, T>A. VCF-style: chr1-237614040-T-A. GRCh37 (hg19) VCF-style: chr1-237777340-T-A.
Other names: p.S1638T:TCT>ACT; c.4912T>A, p.Ser1638Thr (LRG_402t1); short protein forms S1638T.
Identifiers: ClinVar variation 201252 (VCV000201252.20), dbSNP rs794728739, ClinGen allele CA009717.